The following is an entry in ClinVar:

NM_175614.5(NDUFA11):c.9G>A (p.Pro3=)

Genes: NDUFA11 (NADH:ubiquinone oxidoreductase subunit A11; minus strand), LOC112552175 (Sharpr-MPRA regulatory region 9916; plus strand). Cytogenetic location: 19p13.3.
Variant type: single nucleotide variant.
Coding change: c.9G>A on transcript NM_175614.5 (MANE Select); coding-DNA position 9, G replaced by A.
Protein change: p.Pro3=; no amino-acid change (proline 3 retained).
Molecular consequence: synonymous variant. On other transcripts: non-coding transcript variant (1).
Genome position (GRCh38, 1-based): chr19:5,903,700, C>T on the plus strand (G>A on the coding strand, the complement: NDUFA11 is on the minus strand). VCF-style: chr19-5903700-C-T. GRCh37 (hg19) VCF-style: chr19-5903711-C-T.
Other names: c.9G>A, p.Pro3= (NM_001193375.3).
Identifiers: ClinVar variation 3777965 (VCV003777965.7).

ClinVar aggregate classification (germline): Likely benign (1 of 4 stars; one submission).

gnomAD v4.1: 2 of 1,551,516 alleles (0.00013%); highest among the groups gnomAD compares: South Asian, 0.0012%; no homozygotes.

Submission:

CeGaT Center for Human Genetics Tuebingen
Classification: Likely benign. Last evaluated: 2025-03-01. Review status: criteria provided, single submitter. Criteria: CeGaT Center For Human Genetics Tuebingen Variant Classification Criteria Version 2. Collection method: clinical testing. Allele origin: germline. Affected: yes. Observed: 1 variant allele.
Comment: NDUFA11: BP4, BP7